The following is an entry in ClinVar:

NM_014251.3(SLC25A13):c.15+5C>T

Genes: SLC25A13 (solute carrier family 25 member 13; minus strand), LOC129998833 (ATAC-STARR-seq lymphoblastoid silent region 18384; plus strand). Cytogenetic location: 7q21.3.
Variant type: single nucleotide variant.
Coding change: c.15+5C>T on transcript NM_014251.3 (MANE Select); 5 bases into the intron after coding-DNA position 15, C replaced by T.
Molecular consequence: intron variant.
Genome position (GRCh38, 1-based): chr7:96,321,937, G>A on the plus strand (C>T on the coding strand, the complement: SLC25A13 is on the minus strand). VCF-style: chr7-96321937-G-A. GRCh37 (hg19) VCF-style: chr7-95951249-G-A.
Other names: c.15+5C>T (NM_001160210.2).
Identifiers: ClinVar variation 952163 (VCV000952163.6), dbSNP rs907269562, ClinGen allele CA163524563.

ClinVar aggregate classification (germline): Uncertain significance. Review status: criteria provided, multiple submitters, no conflicts (2 of 4 stars). 2 submissions from 2 submitters: Uncertain significance (2). Last evaluated 2024-11-05.

Conditions:
Citrin deficiency. Identifiers: Orphanet 247582, MedGen C1997910, MONDO:0016602.

Allele frequency attached by ClinVar (database versions not stated): gnomAD 0.00001; TOPMed 0.00002; gnomAD exomes 0.00003.
gnomAD v4.1: 44 of 1,537,272 alleles (0.0029%); highest among the groups gnomAD compares: Non-Finnish European, 0.0038%; no homozygotes.

Submissions (2):

Labcorp Genetics (formerly Invitae), Labcorp
Classification: Uncertain significance for Citrin deficiency. Last evaluated: 2024-11-05. Review status: criteria provided, single submitter. Criteria: Invitae Variant Classification Sherloc (09022015). Collection method: clinical testing. Allele origin: germline.
Comment: This sequence change falls in intron 1 of the SLC25A13 gene. It does not directly change the encoded amino acid sequence of the SLC25A13 protein. It affects a nucleotide within the consensus splice site. The frequency data for this variant in the population databases is considered unreliable, as metrics indicate poor data quality at this position in the gnomAD database. This variant has not been reported in the literature in individuals affected with SLC25A13-related conditions. ClinVar contains an entry for this variant (Variation ID: 952163). Variants that disrupt the consensus splice site are a relatively common cause of aberrant splicing (PMID: 17576681, 9536098). Algorithms developed to predict the effect of sequence changes on RNA splicing suggest that this variant is not likely to affect RNA splicing. In summary, the available evidence is currently insufficient to determine the role of this variant in disease. Therefore, it has been classified as a Variant of Uncertain Significance.

Women's Health and Genetics/Laboratory Corporation of America, LabCorp
Classification: Uncertain significance. Last evaluated: 2024-07-28. Review status: criteria provided, single submitter. Criteria: LabCorp Variant Classification Summary - May 2015. Collection method: clinical testing. Allele origin: germline.

Literature cited by the submitters: PubMed 17576681 (cited by Labcorp Genetics (formerly Invitae), Labcorp); PubMed 9536098 (cited by Labcorp Genetics (formerly Invitae), Labcorp).